The following is an entry in ClinVar:

ClinVar aggregate classification (germline): Conflicting classifications of pathogenicity. Review status: criteria provided, conflicting classifications (1 of 4 stars). 2 submissions from 2 submitters: Likely pathogenic (1); Uncertain significance (1). Last evaluated 2021-02-11.

Conditions:
Dilated cardiomyopathy 1G (CMD1G). Identifiers: Orphanet 154, MedGen C1858763, MONDO:0011400, OMIM 604145.
Autosomal recessive limb-girdle muscular dystrophy type 2J (LGMDR10). Also called: Limb-girdle muscular dystrophy, type 2J; MUSCULAR DYSTROPHY, LIMB-GIRDLE, AUTOSOMAL RECESSIVE 10. Identifiers: Orphanet 140922, MedGen C1837342, MONDO:0012127, OMIM 608807.
Myopathy, myofibrillar, 9, with early respiratory failure (MFM9). Also called: Hereditary myopathy with early respiratory failure; Myopathy, distal, with early respiratory failure, autosomal dominant; EDSTROM MYOPATHY; MYOPATHY, PROXIMAL, WITH EARLY RESPIRATORY MUSCLE INVOLVEMENT. Identifiers: Orphanet 178464, Orphanet 34521, MedGen C1863599, MONDO:0011362, OMIM 603689.

Submissions (2):

Labcorp Genetics (formerly Invitae), Labcorp
Classification: Likely pathogenic for Dilated cardiomyopathy 1G; Autosomal recessive limb-girdle muscular dystrophy type 2J. Last evaluated: 2021-02-11. Review status: criteria provided, single submitter. Criteria: Invitae Variant Classification Sherloc (09022015). Collection method: clinical testing. Allele origin: germline.
Comment: In summary, the currently available evidence indicates that the variant is pathogenic, but additional data are needed to prove that conclusively. Therefore, this variant has been classified as Likely Pathogenic. This variant is located in the A band of TTN (PMID: 25589632). Truncating variants in this region are significantly overrepresented in patients affected with dilated cardiomyopathy (PMID: 25589632). Truncating variants in this region have also been reported in individuals affected with autosomal recessive centronuclear myopathy (PMID: 23975875). This variant has been observed in individual(s) with dilated cardiomyopathy (Invitae). This variant is not present in population databases (ExAC no frequency). This sequence change creates a premature translational stop signal (p.Lys17842Asnfs*10) in the TTN gene. While this is not anticipated to result in nonsense mediated decay, it is expected to create a truncated TTN protein.

Neuberg Centre For Genomic Medicine, NCGM
Classification: Uncertain significance for Myopathy, myofibrillar, 9, with early respiratory failure. Review status: criteria provided, single submitter. Criteria: ACMG Guidelines, 2015. Collection method: clinical testing. Allele origin: germline. Inheritance: Autosomal dominant inheritance. Affected: yes.
Comment: The observed frameshift variant c.53526delp.Lys17842AsnfsTer10 in the TTN gene has not been reported previously as a pathogenic variant nor as a benign variant, to our knowledge. This variant is absent in the gnomAD Exomes. This variant has been reported to the ClinVar database as Likely Pathogenic. However, no details are available for independent assessment. This variant causes a frameshift starting with codon Lysine 17842, changes this amino acid to Asparagine residue, and creates a premature Stop codon at position 10 of the new reading frame, denoted p.Lys17842AsnfsTer10. This variant is predicted to cause loss of normal protein function through protein truncation. Loss of function variants have been previously reported to be disease causing Ceyhan-Birsoy O, et al., 2013. For these reasons, this variant has been classified as Uncertain significance.

Literature cited by the submitters: PubMed 25589632 (cited by Labcorp Genetics (formerly Invitae), Labcorp); PubMed 23975875 (cited by Labcorp Genetics (formerly Invitae), Labcorp).

NM_001267550.2(TTN):c.53526del (p.Lys17842fs)

Genes: TTN (titin; minus strand), TTN-AS1 (TTN antisense RNA 1; plus strand). Cytogenetic location: 2q31.2.
Variant type: Deletion.
Coding change: c.53526del on transcript NM_001267550.2 (MANE Select); coding-DNA position 53526, one base deleted (G; older notation c.53526delG).
Protein change: p.Lys17842fs; shifts the reading frame from lysine 17842.
Molecular consequence: frameshift variant.
Genome position (GRCh38, 1-based): chr2:178,607,076, C deleted on the plus strand (G on the coding strand, the reverse complement: TTN is on the minus strand). VCF-style (leftmost placement, unchanged base first): chr2-178607075-AC-A. GRCh37 (hg19) VCF-style: chr2-179471802-AC-A.
Other names: c.26331del, p.Lys8777fs (NM_003319.4); c.45822del, p.Lys15274fs (NM_133378.4); c.26706del, p.Lys8902fs (NM_133432.3); c.26907del, p.Lys8969fs (NM_133437.4); c.48603del, p.Lys16201fs (NM_001256850.1); short protein forms K17842fs, K8902fs, K16201fs, K8969fs, K8777fs, K15274fs.
Identifiers: ClinVar variation 1506250 (VCV001506250.9), dbSNP rs2154196732, ClinGen allele CA2573133826.